The following is an entry in ClinVar:

ClinVar aggregate classification (germline): Benign/Likely benign. Review status: criteria provided, multiple submitters, no conflicts (2 of 4 stars). 2 submissions from 2 submitters: Benign (1); Likely benign (1). Last evaluated 2024-09-09.

Conditions:
Familial cancer of breast. Also called: BREAST CANCER, FAMILIAL; hereditary breast carcinoma; Hereditary breast cancer. Identifiers: Orphanet 227535, MedGen C0346153, MONDO:0016419, OMIM 114480. Disease mechanism: loss of function.
Fanconi anemia complementation group J. Also called: BRIP1-Related Fanconi Anemia. Identifiers: Orphanet 84, MedGen C1836860, MONDO:0012187, OMIM 609054.

Allele frequency attached by ClinVar (database versions not stated): gnomAD exomes below 0.00001.
gnomAD v4.1: 1 of 1,614,176 alleles (0.000062%); highest among the groups gnomAD compares: Non-Finnish European, 0.000085%; no homozygotes.

Submissions (2):

Myriad Genetics, Inc.
Classification: Benign for Familial cancer of breast. Last evaluated: 2024-09-09. Review status: criteria provided, single submitter. Criteria: Myriad Autosomal Dominant, Autosomal Recessive and X-Linked Classification Criteria (2023). Collection method: clinical testing. Allele origin: unknown.
Comment: This variant is considered benign. This variant is a silent/synonymous amino acid change and it is not expected to impact splicing.

Labcorp Genetics (formerly Invitae), Labcorp
Classification: Likely benign for Familial cancer of breast; Fanconi anemia complementation group J. Last evaluated: 2022-04-01. Review status: criteria provided, single submitter. Criteria: Invitae Variant Classification Sherloc (09022015). Collection method: clinical testing. Allele origin: germline.

NM_032043.3(BRIP1):c.3120G>A (p.Lys1040=)

Gene: BRIP1 (BRCA1 interacting DNA helicase 1; minus strand). Cytogenetic location: 17q23.2.
Variant type: single nucleotide variant.
Coding change: c.3120G>A on transcript NM_032043.3 (MANE Select); coding-DNA position 3120, G replaced by A.
Protein change: p.Lys1040=; no amino-acid change (lysine 1040 retained).
Molecular consequence: synonymous variant.
Genome position (GRCh38, 1-based): chr17:61,683,926, C>T on the plus strand (G>A on the coding strand, the complement: BRIP1 is on the minus strand). VCF-style: chr17-61683926-C-T. GRCh37 (hg19) VCF-style: chr17-59761287-C-T.
Identifiers: ClinVar variation 1091822 (VCV001091822.11), dbSNP rs2144087482, ClinGen allele CA501335357.